The following is an entry in ClinVar:

ClinVar aggregate classification (germline): Likely pathogenic. Review status: criteria provided, multiple submitters, no conflicts (2 of 4 stars). 2 submissions from 2 submitters: Likely pathogenic (2). Last evaluated 2024-05-08.

Conditions:
Citrullinemia. Identifiers: Orphanet 187, MedGen C0175683, MONDO:0015991.
Neonatal intrahepatic cholestasis due to citrin deficiency (CDNI). Also called: Neonatal-onset citrullinemia type II; Neonatal-onset citrullinemia type 2; CITRIN DEFICIENCY, NEONATAL OR INFANTILE ONSET; Neonatal Intrahepatic Cholestasis Caused by Citrin Deficiency (NICCD). Identifiers: Orphanet 247598, MedGen C1853942, MONDO:0011601, OMIM 605814.
Citrullinemia, type II, adult-onset (CDAA). Also called: CITRIN DEFICIENCY, ADOLESCENT OR ADULT ONSET. Identifiers: Orphanet 247585, MedGen CN295299, MONDO:0011326, OMIM 603471.

Submissions (2):

Natera, Inc.
Classification: Likely pathogenic for Citrullinemia. Last evaluated: 2024-05-08. Review status: criteria provided, single submitter. Criteria: Natera Variant Classification Schema (03/2026). Collection method: clinical testing. Allele origin: germline.
Comment: The c.762del variant in SLC25A13 is a frameshift variant predicted to shift the reading frame beginning at codon 254 and leads to a stop codon 22 codons downstream. This variant is expected to result in nonsense mediated decay, truncation, or a dysfunctional protein product. This variant is rare in the general population with a frequency below the threshold expected for the associated phenotype(s). Given the available evidence, this variant is classified as Likely Pathogenic.

Fulgent Genetics
Classification: Likely pathogenic for Citrullinemia, type II, adult-onset; Neonatal intrahepatic cholestasis due to citrin deficiency. Last evaluated: 2024-03-01. Review status: criteria provided, single submitter. Criteria: ACMG Guidelines, 2015. Collection method: clinical testing. Allele origin: germline.

NM_014251.3(SLC25A13):c.762del (p.Phe254fs)

Gene: SLC25A13 (solute carrier family 25 member 13; minus strand). Cytogenetic location: 7q21.3.
Variant type: Deletion.
Coding change: c.762del on transcript NM_014251.3 (MANE Select); coding-DNA position 762, one base deleted (T; older notation c.762delT).
Protein change: p.Phe254fs; shifts the reading frame from phenylalanine 254.
Molecular consequence: frameshift variant. On other transcripts: non-coding transcript variant (1).
Genome position (GRCh38, 1-based): chr7:96,189,667, A deleted on the plus strand (T on the coding strand, the reverse complement: SLC25A13 is on the minus strand); the first of 3 consecutive A bases (chr7:96,189,667-96,189,669); deleting any one gives the same sequence. VCF-style (leftmost placement, unchanged base first): chr7-96189666-CA-C. GRCh37 (hg19) VCF-style: chr7-95818978-CA-C.
Other names: c.762del, p.Phe254fs (NM_001160210.2); c.762del (NM_014251.2); short protein forms F254fs.
Identifiers: ClinVar variation 3594963 (VCV003594963.2).